The following is an entry in ClinVar:

NM_000213.5(ITGB4):c.4558+274G>A

Genes: GALK1 (galactokinase 1; minus strand), ITGB4 (integrin subunit beta 4; plus strand). Cytogenetic location: 17q25.1.
Variant type: single nucleotide variant.
Coding change: c.4558+274G>A on transcript NM_000213.5 (MANE Select); 274 bases into the intron after coding-DNA position 4558, G replaced by A.
Molecular consequence: intron variant. On other transcripts: synonymous variant (1).
Genome position (GRCh38, 1-based): chr17:75,755,089, G>A. VCF-style: chr17-75755089-G-A. GRCh37 (hg19) VCF-style: chr17-73751170-G-A.
Other names: c.4383G>A, p.Arg1461= (NM_001005619.2); c.4348+274G>A (NM_001005731.3, NM_001438834.1, NM_001321123.2); c.*22+2945C>T (NM_001381985.1).
Identifiers: ClinVar variation 3352948 (VCV003352948.1).

ClinVar aggregate classification (germline): Likely benign (0 of 4 stars; one submission).

Conditions:
ITGB4-related disorder. Also called: ITGB4-related condition.

gnomAD v4.1: 102 of 1,602,294 alleles (0.0064%); highest among the groups gnomAD compares: Non-Finnish European, 0.0079%; no homozygotes.

Submission:

PreventionGenetics, part of Exact Sciences
Classification: Likely benign for ITGB4-related condition. Last evaluated: 2024-05-10. Review status: no assertion criteria provided. Collection method: clinical testing. Allele origin: germline.
Comment: This variant is classified as likely benign based on ACMG/AMP sequence variant interpretation guidelines (Richards et al. 2015 PMID: 25741868, with internal and published modifications).